The following is an entry in ClinVar:

ClinVar aggregate classification (germline): Conflicting classifications of pathogenicity. Review status: criteria provided, conflicting classifications (1 of 4 stars). 17 submissions from 13 submitters: Uncertain significance (6); Benign (4); Likely benign (3). 4 of the submissions do not count toward it. Last evaluated 2026-01-27.

Conditions:
TTN-related disorder. Also called: TTN-related condition; TTN-related disease; TTN-related disorders.
Autosomal recessive limb-girdle muscular dystrophy type 2J (LGMDR10). Also called: Limb-girdle muscular dystrophy, type 2J; MUSCULAR DYSTROPHY, LIMB-GIRDLE, AUTOSOMAL RECESSIVE 10. Identifiers: Orphanet 140922, MedGen C1837342, MONDO:0012127, OMIM 608807.
Cardiovascular phenotype. Identifiers: MedGen CN230736.
Early-onset myopathy with fatal cardiomyopathy (CMYO5). Also called: CONGENITAL MYOPATHY 5 WITH CARDIOMYOPATHY; Salih Myopathy. Identifiers: Orphanet 289377, MedGen C2673677, MONDO:0012714, OMIM 611705. Disease mechanism: loss of function.
Dilated cardiomyopathy 1G (CMD1G). Identifiers: Orphanet 154, MedGen C1858763, MONDO:0011400, OMIM 604145.
Myopathy, myofibrillar, 9, with early respiratory failure (MFM9). Also called: Hereditary myopathy with early respiratory failure; EDSTROM MYOPATHY; MYOPATHY, PROXIMAL, WITH EARLY RESPIRATORY MUSCLE INVOLVEMENT; Myopathy, distal, with early respiratory failure, autosomal dominant. Identifiers: Orphanet 178464, Orphanet 34521, MedGen C1863599, MONDO:0011362, OMIM 603689.
Tibial muscular dystrophy (TMD). Also called: Tibial muscular dystrophy, tardive; UDD MYOPATHY; Udd Distal Myopathy – Tibial Muscular Dystrophy. Identifiers: Orphanet 609, MedGen C1838244, MONDO:0010870, OMIM 600334.

Allele frequency attached by ClinVar (database versions not stated): gnomAD 0.00014 and 0.00017; TOPMed 0.00016; 1000 Genomes Project 0.00040; 1000 Genomes Project 30x 0.00062.
gnomAD v4.1: 160 of 1,611,902 alleles (0.0099%); highest among the groups gnomAD compares: East Asian, 0.17%; no homozygotes.

Submissions (17):

Labcorp Genetics (formerly Invitae), Labcorp
Classification: Likely benign for Dilated cardiomyopathy 1G; Autosomal recessive limb-girdle muscular dystrophy type 2J. Last evaluated: 2026-01-27. Review status: criteria provided, single submitter. Criteria: Invitae Variant Classification Sherloc (09022015). Collection method: clinical testing. Allele origin: germline.

Blueprint Genetics
Classification: Likely benign. Last evaluated: 2024-09-18. Review status: criteria provided, single submitter. Criteria: ACMG Guidelines, 2015. Collection method: clinical testing. Allele origin: germline.

Women's Health and Genetics/Laboratory Corporation of America, LabCorp
Classification: Benign. Last evaluated: 2022-03-07. Review status: criteria provided, single submitter. Criteria: LabCorp Variant Classification Summary - May 2015. Collection method: clinical testing. Allele origin: germline.
Comment: Variant summary: TTN c.19297G>A (p.Gly6433Arg) results in a non-conservative amino acid change located in the I-band of the encoded protein sequence. Three of three in-silico tools predict a damaging effect of the variant on protein function. The variant allele was found at a frequency of 0.00022 in 248302 control chromosomes, predominantly at a frequency of 0.0025 within the East Asian subpopulation in the gnomAD database. The observed variant frequency within East Asian control individuals in the gnomAD database is approximately 6 fold of the estimated maximal expected allele frequency for a pathogenic variant in TTN causing Dilated Cardiomyopathy phenotype (0.00039), strongly suggesting that the variant is a benign polymorphism found primarily in populations of East Asian origin. To our knowledge, no occurrence of c.19297G>A in individuals affected with Dilated Cardiomyopathy and no experimental evidence demonstrating its impact on protein function have been reported. Six clinical diagnostic laboratories have submitted clinical-significance assessments for this variant to ClinVar after 2014 without evidence for independent evaluation. Multiple laboratories reported the variant with conflicting assessments. Based on the evidence outlined above, the variant was classified as benign.

Laboratory for Molecular Medicine, Mass General Brigham Personalized Medicine
Classification: Benign. Last evaluated: 2018-06-05. Review status: criteria provided, single submitter. Criteria: LMM Criteria. Collection method: clinical testing. Allele origin: germline. Observed: 2 variant alleles.
Comment: proposed classification - variant undergoing re-assessment, contact laboratory

Illumina Laboratory Services, Illumina
Classification: Uncertain significance for Dilated cardiomyopathy 1G. Last evaluated: 2018-01-13. Review status: criteria provided, single submitter. Criteria: ICSL Variant Classification Criteria 13 December 2019. Collection method: clinical testing. Allele origin: germline.

Illumina Laboratory Services, Illumina
Classification: Benign for Myopathy, myofibrillar, 9, with early respiratory failure. Last evaluated: 2018-01-13. Review status: criteria provided, single submitter. Criteria: ICSL Variant Classification Criteria 13 December 2019. Collection method: clinical testing. Allele origin: germline.
Comment: This variant was observed in the ICSL laboratory as part of a predisposition screen in an ostensibly healthy population. It had not been previously curated by ICSL or reported in the Human Gene Mutation Database (HGMD: prior to June 1st, 2018), and was therefore a candidate for classification through an automated scoring system. Utilizing variant allele frequency, disease prevalence and penetrance estimates, and inheritance mode, an automated score was calculated to assess if this variant is too frequent to cause the disease. Based on the score and internal cut-off values, a variant classified as benign is not then subjected to further curation. The score for this variant resulted in a classification of benign for this disease.

Illumina Laboratory Services, Illumina
Classification: Uncertain significance for Early-onset myopathy with fatal cardiomyopathy. Last evaluated: 2018-01-13. Review status: criteria provided, single submitter. Criteria: ICSL Variant Classification Criteria 13 December 2019. Collection method: clinical testing. Allele origin: germline.

Illumina Laboratory Services, Illumina
Classification: Uncertain significance for Autosomal recessive limb-girdle muscular dystrophy type 2J. Last evaluated: 2018-01-13. Review status: criteria provided, single submitter. Criteria: ICSL Variant Classification Criteria 13 December 2019. Collection method: clinical testing. Allele origin: germline.

Illumina Laboratory Services, Illumina
Classification: Benign for Tibial muscular dystrophy. Last evaluated: 2018-01-13. Review status: criteria provided, single submitter. Criteria: ICSL Variant Classification Criteria 13 December 2019. Collection method: clinical testing. Allele origin: germline.
Comment: the same text as in the submission from Illumina Laboratory Services, Illumina above.

Eurofins Ntd Llc (ga)
Classification: Uncertain significance. Last evaluated: 2016-10-21. Review status: criteria provided, single submitter. Criteria: EGL Classification Definitions 2015. Collection method: clinical testing. Allele origin: germline. Observed: 2 variant alleles, 2 heterozygotes.

GeneDx
Classification: Uncertain significance. Last evaluated: 2016-09-23. Review status: criteria provided, single submitter. Criteria: GeneDx Variant Classification (06012015). Collection method: clinical testing. Allele origin: germline. Affected: yes.
Comment: Missense variants in the TTN gene are considered 'unclassified' if they are not previously reported in the literature and do not have >1% frequency in the population to be considered a polymorphism. Research indicates that truncating mutations in the TTN gene are expected to account for approximately 25% of familial and 18% of sporadic idiopathic DCM; however, truncating variants in the TTN gene have been reported in approximately 3% of reported control alleles. There has been little investigation into non-truncating variants. (Herman D et al. Truncations of titin causing dilated cardiomyopathy. N Eng J Med 366:619-628, 2012) The variant is found in CARDIOMYOPATHY panel(s).

Ambry Genetics
Classification: Uncertain significance for Cardiovascular phenotype. Last evaluated: 2013-09-19. Review status: criteria provided, single submitter. Criteria: Ambry Autosomal Dominant and X-Linked criteria (10/2015). Collection method: clinical testing. Allele origin: germline. Observed: 1 variant allele.
Comment: The p.G6433R variant (also known as c.19297G>A) is located in coding exon 75 of the TTN gene. This alteration results from a G to A substitution at nucleotide position 19297. The glycine at codon 6433 is replaced by arginine, an amino acid with dissimilar properties.This variant was not reported in population-based cohorts in the following databases: Database of Single Nucleotide Polymorphisms (dbSNP), NHLBI Exome Sequencing Project (ESP) and 1000 Genomes Project.This amino acid position is well conserved on sequence alignment.This variant is predicted to be probably damaging by PolyPhen in silico analyses. Since supporting evidence is limited at this time, the clinical significance of p.G6433R remains unclear.

Biesecker Lab/Clinical Genomics Section, National Institutes of Health
Classification: Likely benign. Last evaluated: 2013-06-24. Review status: criteria provided, single submitter. Criteria: Ng et al. (Circ Cardiovasc Genet. 2013). Collection method: research. Allele origin: unknown. Observed: 2 variant alleles. Study: ClinSeq.
Comment: The study set was not selected for affection status in relation to any cancer. Pathogenicity categories were based on literature curation. See Pubmed ID:23861362 for details.

Medical sequencing

PreventionGenetics, part of Exact Sciences
Classification: Likely benign for TTN-related condition. Last evaluated: 2020-08-24. Review status: no assertion criteria provided. Collection method: clinical testing. Allele origin: germline. Not counted in ClinVar's aggregate classification.
Comment: This variant is classified as likely benign based on ACMG/AMP sequence variant interpretation guidelines (Richards et al. 2015 PMID: 25741868, with internal and published modifications).

Clinical Genetics DNA and cytogenetics Diagnostics Lab, Erasmus MC, Erasmus Medical Center
Classification: Likely benign. Review status: no assertion criteria provided. Collection method: clinical testing. Allele origin: germline. Affected: yes. Study: VKGL Data-share Consensus. Not counted in ClinVar's aggregate classification.

Clinical Genetics, Academic Medical Center
Classification: Benign. Review status: no assertion criteria provided. Collection method: clinical testing. Allele origin: germline. Affected: yes. Study: VKGL Data-share Consensus. Not counted in ClinVar's aggregate classification.

Joint Genome Diagnostic Labs from Nijmegen and Maastricht, Radboudumc and MUMC+
Classification: Likely benign. Review status: no assertion criteria provided. Collection method: clinical testing. Allele origin: germline. Affected: yes. Study: VKGL Data-share Consensus. Not counted in ClinVar's aggregate classification.

Literature cited by the submitters: PubMed 23861362 (cited by Laboratory for Molecular Medicine, Mass General Brigham Personalized Medicine).

NM_001267550.2(TTN):c.23029G>A (p.Gly7677Arg)

Gene: TTN (titin; minus strand). Cytogenetic location: 2q31.2.
Variant type: single nucleotide variant.
Coding change: c.23029G>A on transcript NM_001267550.2 (MANE Select); coding-DNA position 23029, G replaced by A.
Protein change: p.Gly7677Arg; replaces glycine 7677 with arginine.
Molecular consequence: missense variant. On other transcripts: intron variant (3).
Genome position (GRCh38, 1-based): chr2:178,720,990, C>T on the plus strand (G>A on the coding strand, the complement: TTN is on the minus strand). VCF-style: chr2-178720990-C-T. GRCh37 (hg19) VCF-style: chr2-179585717-C-T.
Other names: p.G7360R:GGG>AGG; c.22078G>A, p.Gly7360Arg (NM_001256850.1); c.19297G>A, p.Gly6433Arg (NM_133378.4); c.13282+17092G>A (NM_003319.4); c.13858+17092G>A (NM_133437.4); c.13657+17092G>A (NM_133432.3); short protein forms G6433R, G7677R, G7360R.
Identifiers: ClinVar variation 166164 (VCV000166164.35), dbSNP rs367826445, ClinGen allele CA178971.